The following is an entry in ClinVar:

NM_153221.2(CILP2):c.424C>A (p.Arg142Ser)

Gene: CILP2 (cartilage intermediate layer protein 2; plus strand). Cytogenetic location: 19p13.11.
Variant type: single nucleotide variant.
Coding change: c.424C>A on transcript NM_153221.2 (MANE Select); coding-DNA position 424, C replaced by A.
Protein change: p.Arg142Ser; replaces arginine 142 with serine.
Molecular consequence: missense variant.
Genome position (GRCh38, 1-based): chr19:19,540,464, C>A. VCF-style: chr19-19540464-C-A. GRCh37 (hg19) VCF-style: chr19-19651273-C-A.
Other names: short protein forms R142S.
Identifiers: ClinVar variation 4839528 (VCV004839528.1).
Genomic context (GRCh38, chr19:19,540,464, plus strand): 5'-TGGTGCCTCAACCGCGAGCAACCGCGTGGCCGCCGCTGCTCCAACTACCACGTGCGCTTC[C>A]GCTGCCCACTAGGTGAGGGCGGGGCTGGATGACGGGGGCGGGGCTTTGAATGGGCGGGGC-3'
Protein context (NP_694953.2, residues 132-152): RRCSNYHVRF[Arg142Ser]CPLEASWGAW

ClinVar aggregate classification (germline): Uncertain significance (1 of 4 stars; one submission).

gnomAD v4.1: 5 of 1,400,016 alleles (0.00036%); highest among the groups gnomAD compares: South Asian, 0.0014%; no homozygotes.

Submission:

Ambry Genetics
Classification: Uncertain significance. Last evaluated: 2026-01-21. Review status: criteria provided, single submitter. Criteria: Ambry Variant Classification Scheme 2023. Collection method: clinical testing. Allele origin: germline.
Comment: The c.424C>A (p.R142S) alteration is located in exon 3 (coding exon 3) of the CILP2 gene. This alteration results from a C to A substitution at nucleotide position 424, causing the arginine (R) at amino acid position 142 to be replaced by a serine (S). Based on data from gnomAD, the A allele has an overall frequency of <0.001% (0/54892) total alleles studied. The highest observed frequency was <0.001% (/) of alleles. Based on insufficient or conflicting evidence, the clinical significance of this alteration remains unclear.